The following is an entry in ClinVar:

ClinVar aggregate classification (germline): Likely benign. Review status: criteria provided, multiple submitters, no conflicts (2 of 4 stars). 6 submissions from 6 submitters: Likely benign (6). Last evaluated 2026-03-27.

Conditions:
Marfan syndrome (MFS). Also called: MARFAN SYNDROME, TYPE I; FBN1-Related Marfan Syndrome; Marfan syndrome type 1; Marfan's syndrome; Marfan syndrome, classic. Identifiers: Orphanet 284963, Orphanet 558, MedGen C0024796, MONDO:0007947, OMIM 154700.
Familial thoracic aortic aneurysm and aortic dissection (TAAD). Also called: Thoracic aortic aneurysms and dissections. Identifiers: Orphanet 91387, MedGen C4707243, MONDO:0019625.

Allele frequency attached by ClinVar (database versions not stated): TOPMed below 0.00001; ExAC 0.00002; gnomAD exomes 0.00001.
gnomAD v4.1: 20 of 1,614,000 alleles (0.0012%); highest among the groups gnomAD compares: South Asian, 0.0022%; no homozygotes.

Submissions (6):

Molecular Diagnostic Laboratory for Inherited Cardiovascular Disease, Montreal Heart Institute
Classification: Likely benign. Last evaluated: 2026-03-27. Review status: criteria provided, single submitter. Criteria: ACMG Guidelines, 2015. Collection method: clinical testing. Allele origin: germline. Affected: no.
Comment: BP7

Labcorp Genetics (formerly Invitae), Labcorp
Classification: Likely benign for Marfan syndrome; Familial thoracic aortic aneurysm and aortic dissection. Last evaluated: 2025-12-01. Review status: criteria provided, single submitter. Criteria: Invitae Variant Classification Sherloc (09022015). Collection method: clinical testing. Allele origin: germline.

Ambry Genetics
Classification: Likely benign for Familial thoracic aortic aneurysm and aortic dissection. Last evaluated: 2024-03-07. Review status: criteria provided, single submitter. Criteria: Ambry Variant Classification Scheme 2023. Collection method: clinical testing. Allele origin: germline.

All of Us Research Program, National Institutes of Health
Classification: Likely benign for Marfan syndrome. Last evaluated: 2023-11-20. Review status: criteria provided, single submitter. Criteria: ACMG Guidelines, 2015. Collection method: clinical testing. Allele origin: germline. Inheritance: Autosomal dominant inheritance. Observed: 1 variant allele, 1 heterozygote.
Comment: This study involves interpretation of variants in research participants for the purpose of population health screening. Participant phenotype was not available at the time of variant classification. Additional details can be found in publication PMID: 35346344, PMCID: PMC8962531

Color Diagnostics, LLC DBA Color Health
Classification: Likely benign for Familial thoracic aortic aneurysm and aortic dissection. Last evaluated: 2018-11-30. Review status: criteria provided, single submitter. Criteria: ACMG Guidelines, 2015. Collection method: clinical testing. Allele origin: germline.

ARUP Laboratories, Molecular Genetics and Genomics, ARUP Laboratories
Classification: Likely benign. Last evaluated: 2016-12-25. Review status: criteria provided, single submitter. Criteria: ARUP Molecular Germline Variant Investigation Process. Collection method: clinical testing. Allele origin: germline.

NM_000138.5(FBN1):c.4428C>T (p.Tyr1476=)

Gene: FBN1 (fibrillin 1; minus strand). Cytogenetic location: 15q21.1.
Variant type: single nucleotide variant.
Coding change: c.4428C>T on transcript NM_000138.5 (MANE Select); coding-DNA position 4428, C replaced by T.
Protein change: p.Tyr1476=; no amino-acid change (tyrosine 1476 retained).
Molecular consequence: synonymous variant.
Genome position (GRCh38, 1-based): chr15:48,470,665, G>A on the plus strand (C>T on the coding strand, the complement: FBN1 is on the minus strand). VCF-style: chr15-48470665-G-A. GRCh37 (hg19) VCF-style: chr15-48762862-G-A.
Identifiers: ClinVar variation 439706 (VCV000439706.20), dbSNP rs767462642, ClinGen allele CA052914.